The following is an entry in ClinVar:

ClinVar aggregate classification (germline): Uncertain significance. Review status: criteria provided, multiple submitters, no conflicts (2 of 4 stars). 2 submissions from 2 submitters: Uncertain significance (2). Last evaluated 2025-05-07.

Conditions:
Inborn genetic diseases. Identifiers: MedGen C0950123, MeSH D030342.

Allele frequency attached by ClinVar (database versions not stated): gnomAD 0.00003; TOPMed 0.00007.
gnomAD v4.1: 8 of 1,368,130 alleles (0.00058%); highest among the groups gnomAD compares: Admixed American, 0.018%; no homozygotes.

Submissions (2):

Ambry Genetics
Classification: Uncertain significance for Inborn genetic diseases. Last evaluated: 2025-05-07. Review status: criteria provided, single submitter. Criteria: Ambry Variant Classification Scheme 2023. Collection method: clinical testing. Allele origin: germline.

GeneDx
Classification: Uncertain significance. Last evaluated: 2023-11-21. Review status: criteria provided, single submitter. Criteria: GeneDx Variant Classification Process June 2021. Collection method: clinical testing. Allele origin: germline.
Comment: Not observed at significant frequency in large population cohorts (gnomAD); In silico analysis supports that this missense variant has a deleterious effect on protein structure/function; Has not been previously published as pathogenic or benign to our knowledge

NM_016148.5(SHANK1):c.4030G>C (p.Gly1344Arg)

Gene: SHANK1 (SH3 and multiple ankyrin repeat domains 1; minus strand). Cytogenetic location: 19q13.33.
Variant type: single nucleotide variant.
Coding change: c.4030G>C on transcript NM_016148.5 (MANE Select); coding-DNA position 4030, G replaced by C.
Protein change: p.Gly1344Arg; replaces glycine 1344 with arginine.
Molecular consequence: missense variant.
Genome position (GRCh38, 1-based): chr19:50,667,930, C>G on the plus strand (G>C on the coding strand, the complement: SHANK1 is on the minus strand). VCF-style: chr19-50667930-C-G. GRCh37 (hg19) VCF-style: chr19-51171187-C-G.
Other names: short protein forms G1344R.
Identifiers: ClinVar variation 1707874 (VCV001707874.4), dbSNP rs763564024, ClinGen allele CA9601228.